The following is an entry in ClinVar:

NM_001001548.3(CD36):c.1279G>T (p.Ala427Ser)

Gene: CD36 (CD36 molecule (CD36 blood group); plus strand). Cytogenetic location: 7q21.11.
Variant type: single nucleotide variant.
Coding change: c.1279G>T on transcript NM_001001548.3 (MANE Select); coding-DNA position 1279, G replaced by T.
Protein change: p.Ala427Ser; replaces alanine 427 with serine.
Molecular consequence: missense variant. On other transcripts: non-coding transcript variant (1).
Genome position (GRCh38, 1-based): chr7:80,674,007, G>T. VCF-style: chr7-80674007-G-T. GRCh37 (hg19) VCF-style: chr7-80303323-G-T.
Other names: c.1279G>T, p.Ala427Ser (NM_000072.3, NM_001001547.3, NM_001127443.2 and 5 more transcripts); c.1162G>T, p.Ala388Ser (NM_001289908.1); c.1099G>T, p.Ala367Ser (NM_001289909.1); c.1051G>T, p.Ala351Ser (NM_001289911.2); c.1177G>T, p.Ala393Ser (NM_001371079.1); c.814G>T, p.Ala272Ser (NM_001371080.1, NM_001371081.1); short protein forms A427S, A367S, A351S, A388S, A272S, A393S.
Identifiers: ClinVar variation 360770 (VCV000360770.32), dbSNP rs201527696, ClinGen allele CA4315802.

ClinVar aggregate classification (germline): Uncertain significance. Review status: criteria provided, multiple submitters, no conflicts (2 of 4 stars). 4 submissions from 4 submitters: Uncertain significance (4). Last evaluated 2025-11-01.

Conditions:
Platelet-type bleeding disorder 10. Also called: CD36 DEFICIENCY. Identifiers: MedGen C1842090, MONDO:0012031, OMIM 608404.

Allele frequency attached by ClinVar (database versions not stated): gnomAD 0.00007 and 0.00009; TOPMed 0.00009; ESP Exome Variant Server 0.00023.

Submissions (4):

CeGaT Center for Human Genetics Tuebingen
Classification: Uncertain significance. Last evaluated: 2025-11-01. Review status: criteria provided, single submitter. Criteria: CeGaT Center For Human Genetics Tuebingen Variant Classification Criteria Version 2. Collection method: clinical testing. Allele origin: germline. Affected: yes. Observed: 2 variant alleles.
Comment: CD36: PM2, BP4

Ambry Genetics
Classification: Uncertain significance. Last evaluated: 2024-03-08. Review status: criteria provided, single submitter. Criteria: Ambry Variant Classification Scheme 2023. Collection method: clinical testing. Allele origin: germline.

Illumina Laboratory Services, Illumina
Classification: Uncertain significance for Platelet-type bleeding disorder 10. Last evaluated: 2018-01-12. Review status: criteria provided, single submitter. Criteria: ICSL Variant Classification Criteria 13 December 2019. Collection method: clinical testing. Allele origin: germline.

Breakthrough Genomics
Classification: Uncertain significance. Review status: criteria provided, single submitter. Criteria: ACMG Guidelines, 2015. Collection method: not provided. Allele origin: germline. Inheritance: Autosomal recessive inheritance. Affected: yes.